The following is an entry in ClinVar:

ClinVar aggregate classification (germline): Uncertain significance. Review status: criteria provided, multiple submitters, no conflicts (2 of 4 stars). 2 submissions from 2 submitters: Uncertain significance (2). Last evaluated 2025-06-11.

Conditions:
Inborn genetic diseases. Identifiers: MedGen C0950123, MeSH D030342.

Allele frequency attached by ClinVar (database versions not stated): ExAC 0.00003; gnomAD 0.00005.
gnomAD v4.1: 52 of 1,611,642 alleles (0.0032%); highest among the groups gnomAD compares: Admixed American, 0.023%; no homozygotes.

Submissions (2):

Ambry Genetics
Classification: Uncertain significance for Inborn genetic diseases. Last evaluated: 2025-06-11. Review status: criteria provided, single submitter. Criteria: Ambry Variant Classification Scheme 2023. Collection method: clinical testing. Allele origin: germline.

GeneDx
Classification: Uncertain significance. Last evaluated: 2022-12-20. Review status: criteria provided, single submitter. Criteria: GeneDx Variant Classification Process June 2021. Collection method: clinical testing. Allele origin: germline. Affected: yes.
Comment: In silico analysis supports that this missense variant has a deleterious effect on protein structure/function; Has not been previously published as pathogenic or benign to our knowledge

NM_022369.4(STRA6):c.1661C>T (p.Pro554Leu)

Gene: STRA6 (signaling receptor and transporter of retinol STRA6; minus strand). Cytogenetic location: 15q24.1.
Variant type: single nucleotide variant.
Coding change: c.1661C>T on transcript NM_022369.4 (MANE Select); coding-DNA position 1661, C replaced by T.
Protein change: p.Pro554Leu; replaces proline 554 with leucine.
Molecular consequence: missense variant.
Genome position (GRCh38, 1-based): chr15:74,181,318, G>A on the plus strand (C>T on the coding strand, the complement: STRA6 is on the minus strand). VCF-style: chr15-74181318-G-A. GRCh37 (hg19) VCF-style: chr15-74473659-G-A.
Other names: c.1661C>T, p.Pro554Leu (NM_001142617.2, NM_001142618.2); c.1634C>T, p.Pro545Leu (NM_001142619.2); c.1772C>T, p.Pro591Leu (NM_001199040.2); c.1706C>T, p.Pro569Leu (NM_001199041.2); c.1778C>T, p.Pro593Leu (NM_001199042.2); short protein forms P545L, P554L, P569L, P591L, P593L.
Identifiers: ClinVar variation 2506604 (VCV002506604.2), dbSNP rs759887263, ClinGen allele CA7654495.